The following is an entry in ClinVar:

NM_001291303.3(FAT4):c.6302C>T (p.Thr2101Ile)

Gene: FAT4 (FAT atypical cadherin 4; plus strand). Cytogenetic location: 4q28.1.
Variant type: single nucleotide variant.
Coding change: c.6302C>T on transcript NM_001291303.3 (MANE Select); coding-DNA position 6302, C replaced by T.
Protein change: p.Thr2101Ile; replaces threonine 2101 with isoleucine.
Molecular consequence: missense variant.
Genome position (GRCh38, 1-based): chr4:125,415,265, C>T. VCF-style: chr4-125415265-C-T. GRCh37 (hg19) VCF-style: chr4-126336420-C-T.
Other names: c.6302C>T, p.Thr2101Ile (NM_001291285.3, NM_024582.6); c.6302C>T (NM_024582.5); short protein forms T2101I.
Identifiers: ClinVar variation 3513379 (VCV003513379.3).

ClinVar aggregate classification (germline): Uncertain significance. Review status: criteria provided, multiple submitters, no conflicts (2 of 4 stars). 3 submissions from 3 submitters: Uncertain significance (3). Last evaluated 2024-08-21.

Conditions:
Hennekam lymphangiectasia-lymphedema syndrome 2 (HKLLS2). Identifiers: Orphanet 2136, MedGen C4014939, MONDO:0014454, OMIM 616006.
Van Maldergem syndrome 2 (VMLDS2). Identifiers: Orphanet 314679, MedGen C3809875, MONDO:0014242, OMIM 615546.
Inborn genetic diseases. Identifiers: MedGen C0950123, MeSH D030342.

gnomAD v4.1: 9 of 1,613,864 alleles (0.00056%); highest among the groups gnomAD compares: African/African-American, 0.0053%; no homozygotes.

Submissions (3):

Ambry Genetics
Classification: Uncertain significance for Inborn genetic diseases. Last evaluated: 2024-08-21. Review status: criteria provided, single submitter. Criteria: Ambry Variant Classification Scheme 2023. Collection method: clinical testing. Allele origin: germline.

GeneDx
Classification: Uncertain significance. Last evaluated: 2024-08-17. Review status: criteria provided, single submitter. Criteria: GeneDx Variant Classification Process June 2021. Collection method: clinical testing. Allele origin: germline. Affected: yes.
Comment: Not observed at significant frequency in large population cohorts (gnomAD); In silico analysis supports that this missense variant has a deleterious effect on protein structure/function; Has not been previously published as pathogenic or benign to our knowledge

Fulgent Genetics
Classification: Uncertain significance for Van Maldergem syndrome 2; Hennekam lymphangiectasia-lymphedema syndrome 2. Last evaluated: 2024-03-20. Review status: criteria provided, single submitter. Criteria: ACMG Guidelines, 2015. Collection method: clinical testing. Allele origin: germline.